The following is an entry in ClinVar:

ClinVar aggregate classification (germline): Benign/Likely benign. Review status: criteria provided, multiple submitters, no conflicts (2 of 4 stars). 6 submissions from 6 submitters: Benign (1); Likely benign (4). 1 of the submissions does not count toward it. Last evaluated 2026-01-15.

Conditions:
CLIC5-related disorder. Also called: CLIC5-related condition.

Allele frequency attached by ClinVar (database versions not stated): TOPMed 0.00206; ESP Exome Variant Server 0.00277; 1000 Genomes Project 30x 0.00141; 1000 Genomes Project 0.00160; gnomAD 0.00200.
gnomAD v4.1: 4,577 of 1,613,918 alleles (0.28%); highest among the groups gnomAD compares: Non-Finnish European, 0.35%; 8 homozygotes.

Submissions (6):

Labcorp Genetics (formerly Invitae), Labcorp
Classification: Likely benign. Last evaluated: 2026-01-15. Review status: criteria provided, single submitter. Criteria: Invitae Variant Classification Sherloc (09022015). Collection method: clinical testing. Allele origin: germline.

Blueprint Genetics
Classification: Likely benign. Last evaluated: 2024-11-25. Review status: criteria provided, single submitter. Criteria: ACMG Guidelines, 2015. Collection method: clinical testing. Allele origin: germline.

CeGaT Center for Human Genetics Tuebingen
Classification: Likely benign. Last evaluated: 2023-11-01. Review status: criteria provided, single submitter. Criteria: CeGaT Center For Human Genetics Tuebingen Variant Classification Criteria Version 2. Collection method: clinical testing. Allele origin: germline. Affected: yes. Observed: 2 variant alleles.
Comment: CLIC5: BS2

Laboratory for Molecular Medicine, Mass General Brigham Personalized Medicine
Classification: Likely benign. Last evaluated: 2018-06-08. Review status: criteria provided, single submitter. Criteria: LMM Criteria. Collection method: clinical testing. Allele origin: germline. Observed: 1 variant allele.
Comment: p.Ala273Glu in exon 4 of CLIC5: This variant is classified as likely benign beca use it has been identified in 0.3% (432/126564) of European chromosomes includin g 3 homozygotes by the Genome Aggregation Database (gnomAD; dbSNP rs143360018). ACMG/AMP Criteria applied: BS1, PP3.

GeneDx
Classification: Benign. Last evaluated: 2018-04-13. Review status: criteria provided, single submitter. Criteria: GeneDx Variant Classification (06012015). Collection method: clinical testing. Allele origin: germline. Affected: yes.
Comment: This variant is considered likely benign or benign based on one or more of the following criteria: it is a conservative change, it occurs at a poorly conserved position in the protein, it is predicted to be benign by multiple in silico algorithms, and/or has population frequency not consistent with disease.

PreventionGenetics, part of Exact Sciences
Classification: Likely benign for CLIC5-related condition. Last evaluated: 2020-09-25. Review status: no assertion criteria provided. Collection method: clinical testing. Allele origin: germline. Not counted in ClinVar's aggregate classification.
Comment: This variant is classified as likely benign based on ACMG/AMP sequence variant interpretation guidelines (Richards et al. 2015 PMID: 25741868, with internal and published modifications).

NM_016929.5(CLIC5):c.341C>A (p.Ala114Glu)

Gene: CLIC5 (CLIC family member 5; minus strand). Cytogenetic location: 6p21.1.
Variant type: single nucleotide variant.
Coding change: c.341C>A on transcript NM_016929.5 (MANE Select); coding-DNA position 341, C replaced by A.
Protein change: p.Ala114Glu; replaces alanine 114 with glutamic acid.
Molecular consequence: missense variant.
Genome position (GRCh38, 1-based): chr6:45,941,612, G>T on the plus strand (C>A on the coding strand, the complement: CLIC5 is on the minus strand). VCF-style: chr6-45941612-G-T. GRCh37 (hg19) VCF-style: chr6-45909349-G-T.
Other names: c.818C>A, p.Ala273Glu (NM_001114086.2, NM_001370650.1); c.341C>A, p.Ala114Glu (NM_001256023.2); c.224C>A, p.Ala75Glu (NM_001370649.1); short protein forms A75E, A273E, A114E.
Identifiers: ClinVar variation 667094 (VCV000667094.46), dbSNP rs143360018, ClinGen allele CA3836819.